The following is an entry in ClinVar:

ClinVar aggregate classification (germline): Uncertain significance. Review status: criteria provided, multiple submitters, no conflicts (2 of 4 stars). 6 submissions from 6 submitters: Uncertain significance (6). Last evaluated 2025-09-10.

Conditions:
Geroderma osteodysplastica (GO). Also called: WALT DISNEY DWARFISM; Geroderma osteodysplasticum. Identifiers: Orphanet 2078, MedGen C0432255, MONDO:0009271, OMIM 231070.

Allele frequency attached by ClinVar (database versions not stated): gnomAD 0.00001 and 0.00002; TOPMed 0.00002; ExAC 0.00005; gnomAD exomes 0.00006.

Submissions (6):

Genomic Medicine Center of Excellence, King Faisal Specialist Hospital and Research Centre
Classification: Uncertain significance for Geroderma osteodysplastica. Last evaluated: 2025-09-10. Review status: criteria provided, single submitter. Criteria: ACMG Guidelines, 2015. Collection method: clinical testing. Allele origin: germline.

Genome-Nilou Lab
Classification: Uncertain significance for Geroderma osteodysplastica. Last evaluated: 2023-04-11. Review status: criteria provided, single submitter. Criteria: ACMG Guidelines, 2015. Collection method: clinical testing. Allele origin: germline. Affected: no.

Labcorp Genetics (formerly Invitae), Labcorp
Classification: Uncertain significance. Last evaluated: 2022-06-27. Review status: criteria provided, single submitter. Criteria: Invitae Variant Classification Sherloc (09022015). Collection method: clinical testing. Allele origin: germline.
Comment: This sequence change replaces tyrosine, which is neutral and polar, with histidine, which is basic and polar, at codon 242 of the GORAB protein (p.Tyr242His). This variant is present in population databases (rs749490786, gnomAD 0.02%). This variant has not been reported in the literature in individuals affected with GORAB-related conditions. ClinVar contains an entry for this variant (Variation ID: 523030). Algorithms developed to predict the effect of missense changes on protein structure and function (SIFT, PolyPhen-2, Align-GVGD) all suggest that this variant is likely to be disruptive. In summary, the available evidence is currently insufficient to determine the role of this variant in disease. Therefore, it has been classified as a Variant of Uncertain Significance.

Genomic Research Center, Shahid Beheshti University of Medical Sciences
Classification: Uncertain significance for Geroderma osteodysplastica. Last evaluated: 2020-05-03. Review status: criteria provided, single submitter. Criteria: ACMG Guidelines, 2015. Collection method: clinical testing. Allele origin: unknown.

Illumina Laboratory Services, Illumina
Classification: Uncertain significance for Geroderma osteodysplastica. Last evaluated: 2018-01-13. Review status: criteria provided, single submitter. Criteria: ICSL Variant Classification Criteria 13 December 2019. Collection method: clinical testing. Allele origin: germline.

Breakthrough Genomics
Classification: Uncertain significance. Review status: criteria provided, single submitter. Criteria: ACMG Guidelines, 2015. Collection method: not provided. Allele origin: germline. Inheritance: Autosomal recessive inheritance. Affected: yes.

NM_152281.3(GORAB):c.649T>C (p.Tyr217His)

Gene: GORAB (golgin, RAB6 interacting; plus strand). Cytogenetic location: 1q24.2.
Variant type: single nucleotide variant.
Coding change: c.649T>C on transcript NM_152281.3 (MANE Select); coding-DNA position 649, T replaced by C.
Protein change: p.Tyr217His; replaces tyrosine 217 with histidine.
Molecular consequence: missense variant. On other transcripts: non-coding transcript variant (1).
Genome position (GRCh38, 1-based): chr1:170,544,832, T>C. VCF-style: chr1-170544832-T-C. GRCh37 (hg19) VCF-style: chr1-170513973-T-C.
Other names: c.649T>C, p.Tyr217His (NM_001146039.2); c.184T>C, p.Tyr62His (NM_001320252.2); short protein forms Y242H, Y62H, Y217H.
Identifiers: ClinVar variation 523030 (VCV000523030.12), dbSNP rs749490786, ClinGen allele CA1239192.
Genomic context (GRCh38, chr1:170,544,832, plus strand): 5'-GACATGGTGTCAGCTGACATTGGAATTCTCAGGAACCGGATTGATCAGGCCAGCTTAGAC[T>C]ATTCATACGCTCGGTGAGTTGGGGAAATTGAATCTGAACAAGGAGTATGATTTAATTAAT-3'
Protein context (NP_689494.3, residues 207-227): RNRIDQASLD[Tyr217His]SYARKRFDRA